The following is an entry in ClinVar:

NM_005271.5(GLUD1):c.1198-9C>T

Gene: GLUD1 (glutamate dehydrogenase 1; minus strand). Cytogenetic location: 10q23.2.
Variant type: single nucleotide variant.
Coding change: c.1198-9C>T on transcript NM_005271.5 (MANE Select); 9 bases into the intron before coding-DNA position 1198, C replaced by T.
Molecular consequence: intron variant.
Genome position (GRCh38, 1-based): chr10:87,060,250, G>A on the plus strand (C>T on the coding strand, the complement: GLUD1 is on the minus strand). VCF-style: chr10-87060250-G-A. GRCh37 (hg19) VCF-style: chr10-88820007-G-A.
Other names: c.697-9C>T (NM_001318906.2, NM_001318904.2, NM_001318905.2 and 2 more transcripts); c.799-9C>T (NM_001318900.1).
Identifiers: ClinVar variation 2715890 (VCV002715890.5), dbSNP rs201421730, ClinGen allele CA5587484.

ClinVar aggregate classification (germline): Benign. Review status: criteria provided, multiple submitters, no conflicts (2 of 4 stars). 2 submissions from 2 submitters: Benign (2). Last evaluated 2025-01-08.

Conditions:
Hyperinsulinism-hyperammonemia syndrome (HHF6). Identifiers: Orphanet 35878, MedGen C1847555, MONDO:0011717, OMIM 606762.

gnomAD v4.1: 80 of 1,589,036 alleles (0.005%); highest among the groups gnomAD compares: South Asian, 0.085%; no homozygotes.

Submissions (2):

Women's Health and Genetics/Laboratory Corporation of America, LabCorp
Classification: Benign. Last evaluated: 2025-01-08. Review status: criteria provided, single submitter. Criteria: LabCorp Variant Classification Summary - May 2015. Collection method: clinical testing. Allele origin: germline.
Comment: Variant summary: GLUD1 c.1198-9C>T alters a conserved nucleotide located at a position not widely known to affect splicing. Consensus agreement among computation tools predict no significant impact on normal splicing (TrAP). However, these predictions have yet to be confirmed by functional studies. The variant allele was found at a frequency of 9.9e-05 in 251408 control chromosomes. The observed variant frequency is approximately 159.1 fold of the estimated maximal expected allele frequency for a pathogenic variant in GLUD1 causing Congenital Hyperinsulinism phenotype (6.3e-07). To our knowledge, no occurrence of c.1198-9C>T in individuals affected with Congenital Hyperinsulinism and no experimental evidence demonstrating its impact on protein function have been reported. ClinVar contains an entry for this variant (Variation ID: 2715890). Based on the evidence outlined above, the variant was classified as benign.

Labcorp Genetics (formerly Invitae), Labcorp
Classification: Benign for Hyperinsulinism-hyperammonemia syndrome. Last evaluated: 2023-11-18. Review status: criteria provided, single submitter. Criteria: Invitae Variant Classification Sherloc (09022015). Collection method: clinical testing. Allele origin: germline.